The following is an entry in ClinVar:

NM_000404.4(GLB1):c.1561T>C (p.Cys521Arg)

Gene: GLB1 (galactosidase beta 1; minus strand). Cytogenetic location: 3p22.3.
Variant type: single nucleotide variant.
Coding change: c.1561T>C on transcript NM_000404.4 (MANE Select); coding-DNA position 1561, T replaced by C.
Protein change: p.Cys521Arg; replaces cysteine 521 with arginine.
Molecular consequence: missense variant.
Genome position (GRCh38, 1-based): chr3:33,014,229, A>G on the plus strand (T>C on the coding strand, the complement: GLB1 is on the minus strand). VCF-style: chr3-33014229-A-G. GRCh37 (hg19) VCF-style: chr3-33055721-A-G.
Other names: c.1561C>C (NM_000404.2); c.1471T>C, p.Cys491Arg (NM_001079811.3); c.1168T>C, p.Cys390Arg (NM_001135602.3); c.1705T>C, p.Cys569Arg (NM_001317040.2); c.1561T>C, p.Cys521Arg (NM_001393580.1); short protein forms C521R, C390R, C491R, C569R.
Identifiers: ClinVar variation 167145 (VCV000167145.25), dbSNP rs4302331, ClinGen allele CA180082.
Genomic context (GRCh38, chr3:33,014,229, plus strand): 5'-GGGCCCAGGCTTCATCATGGTGGCCACTGTCACGGTGTCCCCAGCCCCCCAGGTGGCTGC[A>G]CACTGCATCCTCAGTGTCCAGTGGAAAGATCGTCCAGTCCGTGAGGATATTGGAACTGAG-3'
Protein context (NP_000395.3, residues 511-531): IFPLDTEDAV[Cys521Arg]SHLGGWGHRD

ClinVar aggregate classification (germline): Benign. Review status: criteria provided, multiple submitters, no conflicts (2 of 4 stars). 15 submissions from 11 submitters: Benign (12). 3 of the submissions do not count toward it. Last evaluated 2026-02-04.

Conditions:
Mucopolysaccharidosis, MPS-IV-B (MPS4B). Also called: Mucopolysaccharidosis type IV B; Mucopolysaccharidosis Type IVB; Mucopolysaccharidosis Type IVB (Morquio B Disease); Mucopolysaccharidosis type IVB (Morquio); MPS IVB; MORQUIO SYNDROME B. Identifiers: Orphanet 309310, Orphanet 582, MedGen C0086652, MONDO:0009660, OMIM 253010.
GM1 gangliosidosis. Identifiers: Orphanet 354, MedGen C0085131, MONDO:0018149.
Infantile GM1 gangliosidosis. Also called: Gangliosidosis, Generalized GM1, Type 1; Gangliosidosis, generalized GM1, infantile form; GLB1 deficiency; GM1 gangliosidosis type 1; GM1-gangliosidosis, type I. Identifiers: Orphanet 354, Orphanet 79255, MedGen C0268271, MONDO:0009260, OMIM 230500.
GM1 gangliosidosis type 2. Also called: Gangliosidosis, Generalized GM1, Type 2; GANGLIOSIDOSIS, GENERALIZED GM1, JUVENILE TYPE; GANGLIOSIDOSIS, GENERALIZED GM1, TYPE II; Juvenile GM>1< gangliosidosis; GM1-GANGLIOSIDOSIS, TYPE II. Identifiers: Orphanet 354, Orphanet 79256, MedGen C0268272, MONDO:0009261, OMIM 230600.
GM1 gangliosidosis type 3. Also called: Gangliosidosis, Generalized GM1, Type 3; GANGLIOSIDOSIS, GENERALIZED GM1, ADULT TYPE; GANGLIOSIDOSIS, GENERALIZED GM1, CHRONIC TYPE; GANGLIOSIDOSIS, GENERALIZED GM1, TYPE III; Beta-galactosidase deficiency; Adult GM1 gangliosidosis. Identifiers: Orphanet 79257, MedGen C0268273, MONDO:0009262, OMIM 230650.

Allele frequency attached by ClinVar (database versions not stated): 1000 Genomes Project 30x 0.92114; TOPMed 0.92687; 1000 Genomes Project 0.92712; gnomAD 0.93112 and 0.93581; ESP Exome Variant Server 0.93264; ExAC 0.98004; gnomAD exomes 0.98309.
gnomAD v4.1: 1,593,884 of 1,614,086 alleles (99%); highest among the groups gnomAD compares: East Asian, 100%; 788,793 homozygotes.

Submissions (15):

Labcorp Genetics (formerly Invitae), Labcorp
Classification: Benign for Mucopolysaccharidosis, MPS-IV-B; GM1 gangliosidosis. Last evaluated: 2026-02-04. Review status: criteria provided, single submitter. Criteria: Invitae Variant Classification Sherloc (09022015). Collection method: clinical testing. Allele origin: germline.

Blueprint Genetics
Classification: Benign. Last evaluated: 2024-11-26. Review status: criteria provided, single submitter. Criteria: ACMG Guidelines, 2015. Collection method: clinical testing. Allele origin: germline.

Mayo Clinic Laboratories, Mayo Clinic
Classification: Benign. Last evaluated: 2024-10-31. Review status: criteria provided, single submitter. Criteria: ACMG Guidelines, 2015. Collection method: clinical testing. Allele origin: germline. Observed: 957 variant alleles.
Comment: BA1

Genome-Nilou Lab
Classification: Benign for Infantile GM1 gangliosidosis. Last evaluated: 2021-08-10. Review status: criteria provided, single submitter. Criteria: ACMG Guidelines, 2015. Collection method: clinical testing. Allele origin: germline. Affected: no.

Genome-Nilou Lab
Classification: Benign for GM1 gangliosidosis type 2. Last evaluated: 2021-08-10. Review status: criteria provided, single submitter. Criteria: ACMG Guidelines, 2015. Collection method: clinical testing. Allele origin: germline. Affected: no.

Genome-Nilou Lab
Classification: Benign for GM1 gangliosidosis type 3. Last evaluated: 2021-08-10. Review status: criteria provided, single submitter. Criteria: ACMG Guidelines, 2015. Collection method: clinical testing. Allele origin: germline. Affected: no.

Genome-Nilou Lab
Classification: Benign for Mucopolysaccharidosis, MPS-IV-B. Last evaluated: 2021-08-10. Review status: criteria provided, single submitter. Criteria: ACMG Guidelines, 2015. Collection method: clinical testing. Allele origin: germline. Affected: no.

Pars Genome Lab
Classification: Benign for Infantile GM1 gangliosidosis. Last evaluated: 2021-06-15. Review status: criteria provided, single submitter. Criteria: ACMG Guidelines, 2015. Collection method: clinical testing. Allele origin: germline. Affected: no.

Pars Genome Lab
Classification: Benign for Mucopolysaccharidosis, MPS-IV-B. Last evaluated: 2021-06-15. Review status: criteria provided, single submitter. Criteria: ACMG Guidelines, 2015. Collection method: clinical testing. Allele origin: germline. Affected: no.

GeneDx
Classification: Benign. Last evaluated: 2019-11-20. Review status: criteria provided, single submitter. Criteria: GeneDx Variant Classification Process June 2021. Collection method: clinical testing. Allele origin: germline. Affected: yes.
Comment: This variant is associated with the following publications: (PMID: 15714521, 10338095, 17664528, 20981092, 27884173)

Eurofins Ntd Llc (ga)
Classification: Benign. Last evaluated: 2017-08-31. Review status: criteria provided, single submitter. Criteria: EGL Classification Definitions 2015. Collection method: clinical testing. Allele origin: germline. Observed: 146 variant alleles, 5 heterozygotes, 141 homozygotes.

Breakthrough Genomics
Classification: Benign. Review status: criteria provided, single submitter. Criteria: ACMG Guidelines, 2015. Collection method: not provided. Allele origin: germline. Inheritance: Autosomal recessive inheritance. Affected: yes.

Diagnostic Laboratory, Department of Genetics, University Medical Center Groningen
Classification: Benign. Review status: no assertion criteria provided. Collection method: clinical testing. Allele origin: germline. Affected: yes. Study: VKGL Data-share Consensus. Not counted in ClinVar's aggregate classification.

Genome Diagnostics Laboratory, University Medical Center Utrecht
Classification: Benign. Review status: no assertion criteria provided. Collection method: clinical testing. Allele origin: germline. Affected: yes. Study: VKGL Data-share Consensus. Not counted in ClinVar's aggregate classification.

Joint Genome Diagnostic Labs from Nijmegen and Maastricht, Radboudumc and MUMC+
Classification: Benign. Review status: no assertion criteria provided. Collection method: clinical testing. Allele origin: germline. Affected: yes. Study: VKGL Data-share Consensus. Not counted in ClinVar's aggregate classification.